The following is an entry in ClinVar:

NM_015311.3(OBSL1):c.3427G>A (p.Ala1143Thr)

Gene: OBSL1 (obscurin like cytoskeletal adaptor 1; minus strand). Cytogenetic location: 2q35.
Variant type: single nucleotide variant.
Coding change: c.3427G>A on transcript NM_015311.3 (MANE Select); coding-DNA position 3427, G replaced by A.
Protein change: p.Ala1143Thr; replaces alanine 1143 with threonine.
Molecular consequence: missense variant.
Genome position (GRCh38, 1-based): chr2:219,558,259, C>T on the plus strand (G>A on the coding strand, the complement: OBSL1 is on the minus strand). VCF-style: chr2-219558259-C-T. GRCh37 (hg19) VCF-style: chr2-220422981-C-T.
Other names: c.3427G>A, p.Ala1143Thr (NM_001173431.2); c.3427G>A (NM_015311.2); short protein forms A1143T.
Identifiers: ClinVar variation 1063918 (VCV001063918.8), dbSNP rs202017204, ClinGen allele CA2130874.

ClinVar aggregate classification (germline): Uncertain significance. Review status: criteria provided, multiple submitters, no conflicts (2 of 4 stars). 2 submissions from 2 submitters: Uncertain significance (2). Last evaluated 2025-12-22.

Conditions:
Inborn genetic diseases. Identifiers: MedGen C0950123, MeSH D030342.

Allele frequency attached by ClinVar (database versions not stated): TOPMed 0.00006; ESP Exome Variant Server 0.00008; gnomAD 0.00010; gnomAD exomes 0.00010 and 0.00020; ExAC 0.00027.
gnomAD v4.1: 173 of 1,610,420 alleles (0.011%); highest among the groups gnomAD compares: Non-Finnish European, 0.012%; 1 homozygote.

Submissions (2):

Ambry Genetics
Classification: Uncertain significance for Inborn genetic diseases. Last evaluated: 2025-12-22. Review status: criteria provided, single submitter. Criteria: Ambry Variant Classification Scheme 2023. Collection method: clinical testing. Allele origin: germline.

Labcorp Genetics (formerly Invitae), Labcorp
Classification: Uncertain significance. Last evaluated: 2022-11-02. Review status: criteria provided, single submitter. Criteria: Invitae Variant Classification Sherloc (09022015). Collection method: clinical testing. Allele origin: germline.
Comment: This sequence change replaces alanine, which is neutral and non-polar, with threonine, which is neutral and polar, at codon 1143 of the OBSL1 protein (p.Ala1143Thr). This variant is present in population databases (rs202017204, gnomAD 0.03%). This variant has not been reported in the literature in individuals affected with OBSL1-related conditions. ClinVar contains an entry for this variant (Variation ID: 1063918). Algorithms developed to predict the effect of missense changes on protein structure and function (SIFT, PolyPhen-2, Align-GVGD) all suggest that this variant is likely to be tolerated. In summary, the available evidence is currently insufficient to determine the role of this variant in disease. Therefore, it has been classified as a Variant of Uncertain Significance.